The following is an entry in ClinVar:

NM_000512.5(GALNS):c.251C>A (p.Ala84Glu)

Gene: GALNS (galactosamine (N-acetyl)-6-sulfatase; minus strand). Cytogenetic location: 16q24.3.
Variant type: single nucleotide variant.
Coding change: c.251C>A on transcript NM_000512.5 (MANE Select); coding-DNA position 251, C replaced by A.
Protein change: p.Ala84Glu; replaces alanine 84 with glutamic acid.
Molecular consequence: missense variant. On other transcripts: 5 prime UTR variant (1).
Genome position (GRCh38, 1-based): chr16:88,841,965, G>T on the plus strand (C>A on the coding strand, the complement: GALNS is on the minus strand). VCF-style: chr16-88841965-G-T. GRCh37 (hg19) VCF-style: chr16-88908373-G-T.
Other names: c.-305C>A (NM_001323543.2); c.269C>A, p.Ala90Glu (NM_001323544.2); short protein forms A84E, A90E.
Identifiers: ClinVar variation 1048443 (VCV001048443.11), dbSNP rs141340188, ClinGen allele CA286406388.

ClinVar aggregate classification (germline): Conflicting classifications of pathogenicity. Review status: criteria provided, conflicting classifications (1 of 4 stars). 2 submissions from 2 submitters: Pathogenic (1); Uncertain significance (1). Last evaluated 2025-12-21.

Conditions:
Mucopolysaccharidosis, MPS-IV-A (MPS4A). Also called: Mucopolysaccharidosis type IV A; Mucopolysaccharidosis Type IVA; Morquio syndrome A, mild; MORQUIO SYNDROME A; MPS IVA; mucopolysaccharidosis type 4A. Identifiers: Orphanet 309297, Orphanet 582, MedGen C0086651, MONDO:0009659, OMIM 253000.

Allele frequency attached by ClinVar (database versions not stated): ESP Exome Variant Server 0.00008.
gnomAD v4.1: 5 of 1,612,126 alleles (0.00031%); highest among the groups gnomAD compares: African/African-American, 0.0053%; no homozygotes.

Submissions (2):

Labcorp Genetics (formerly Invitae), Labcorp
Classification: Pathogenic for Mucopolysaccharidosis, MPS-IV-A. Last evaluated: 2025-12-21. Review status: criteria provided, single submitter. Criteria: Invitae Variant Classification Sherloc (09022015). Collection method: clinical testing. Allele origin: germline.
Comment: This sequence change replaces alanine, which is neutral and non-polar, with glutamic acid, which is acidic and polar, at codon 84 of the GALNS protein (p.Ala84Glu). The frequency data for this variant in the population databases is considered unreliable, as metrics indicate poor data quality at this position in the gnomAD database. This missense change has been observed in individual(s) with mucopolysaccharidosis type IVA (PMID: 24726177, 34387910). ClinVar contains an entry for this variant (Variation ID: 1048443). Invitae Evidence Modeling of protein sequence and biophysical properties (such as structural, functional, and spatial information, amino acid conservation, physicochemical variation, residue mobility, and thermodynamic stability) indicates that this missense variant is expected to disrupt GALNS protein function with a positive predictive value of 95%. For these reasons, this variant has been classified as Pathogenic.

Laboratory of Diagnosis and Therapy of Lysosomal Disorders, University of Padova
Classification: Uncertain significance for Mucopolysaccharidosis, MPS-IV-A. Last evaluated: 2021-02-01. Review status: criteria provided, single submitter. Criteria: ACMG Guidelines, 2015. Collection method: research. Allele origin: germline. Affected: yes.
Comment: In vivo functional studies supportive of a damaging effect on the gene product (low to null enzymatic activity in homozygotes; PS3_supporting); very low frequency in gnomAD v2.1.1 (PM2_moderate); multiple lines of computational evidence support a deleterious effect on the gene (PP3_supporting)

Literature cited by the submitters: PubMed 24726177 (cited by Labcorp Genetics (formerly Invitae), Labcorp and Laboratory of Diagnosis and Therapy of Lysosomal Disorders, University of Padova); PubMed 34387910 (cited by Labcorp Genetics (formerly Invitae), Labcorp and Laboratory of Diagnosis and Therapy of Lysosomal Disorders, University of Padova).